The following is an entry in ClinVar:

ClinVar aggregate classification (germline): Uncertain significance (1 of 4 stars; one submission).

Conditions:
TET2-related disorder. Also called: TET2-related condition.

Submission:

PreventionGenetics, part of Exact Sciences
Classification: Uncertain significance for TET2-related condition. Last evaluated: 2023-04-01. Review status: criteria provided, single submitter. Criteria: ACMG Guidelines, 2015. Collection method: clinical testing. Allele origin: germline.
Comment: The TET2 c.4664_4665delAG variant is predicted to result in a frameshift and premature protein termination (p.Glu1555Valfs*22). This variant occurs within the terminal exon of TET2. To our knowledge, this variant has not been reported in the literature. This variant is reported in 0.0089% of alleles in individuals of East Asian descent in gnomAD. Loss of function variants have been reported in TET2; however, the vast majority have been reported upstream of amino acid 1555 (Human Gene Mutation Database). Although we suspect that this variant may be pathogenic, at this time, the clinical significance of this variant is uncertain due to the absence of conclusive functional and genetic evidence.

NM_001127208.3(TET2):c.4664_4665del (p.Glu1555fs)

Genes: TET2 (tet methylcytosine dioxygenase 2; plus strand), TET2-AS1 (TET2 antisense RNA 1; minus strand). Cytogenetic location: 4q24.
Variant type: Microsatellite.
Coding change: c.4664_4665del on transcript NM_001127208.3 (MANE Select); coding-DNA positions 4664 to 4665, 2 bases deleted (AG; older notation c.4664_4665delAG).
Protein change: p.Glu1555fs; shifts the reading frame from glutamic acid 1555.
Molecular consequence: frameshift variant.
Genome position (GRCh38, 1-based): chr4:105,275,174-105,275,175, AG deleted; deleting any 2 consecutive bases within chr4:105,275,172-105,275,175 gives the same sequence; the c. name uses the placement nearest the transcript's 3' end. VCF-style (leftmost placement, unchanged base first): chr4-105275171-CAG-C. GRCh37 (hg19) VCF-style: chr4-106196328-CAG-C.
Other names: c.4662_4663AG[1], p.Glu1555Valfs (NM_001127208.2); c.4664_4665delAG (NM_001127208.2); short protein forms E1555fs.
Identifiers: ClinVar variation 2629043 (VCV002629043.1), dbSNP rs1439735497, ClinGen allele CA554049330.